The following is an entry in ClinVar:

NM_004656.4(BAP1):c.1251G>C (p.Arg417Ser)

Gene: BAP1 (BRCA1 associated deubiquitinase 1; minus strand). Cytogenetic location: 3p21.1.
Variant type: single nucleotide variant.
Coding change: c.1251G>C on transcript NM_004656.4 (MANE Select); coding-DNA position 1251, G replaced by C.
Protein change: p.Arg417Ser; replaces arginine 417 with serine.
Molecular consequence: missense variant.
Genome position (GRCh38, 1-based): chr3:52,403,894, C>G on the plus strand (G>C on the coding strand, the complement: BAP1 is on the minus strand). VCF-style: chr3-52403894-C-G. GRCh37 (hg19) VCF-style: chr3-52437910-C-G.
Other names: short protein forms R417S.
Identifiers: ClinVar variation 919392 (VCV000919392.3), dbSNP rs761544042, ClinGen allele CA353102556.

ClinVar aggregate classification (germline): Uncertain significance (1 of 4 stars; one submission).

Conditions:
Hereditary cancer-predisposing syndrome. Also called: Neoplastic Syndromes, Hereditary; Tumor predisposition; Hereditary Cancer Syndrome; Hereditary neoplastic syndrome. Identifiers: Orphanet 140162, MedGen C0027672, MeSH D009386, MONDO:0015356.

Submission:

Color Diagnostics, LLC DBA Color Health
Classification: Uncertain significance for Hereditary cancer-predisposing syndrome. Last evaluated: 2019-12-09. Review status: criteria provided, single submitter. Criteria: ACMG Guidelines, 2015. Collection method: clinical testing. Allele origin: germline.
Comment: This missense variant replaces arginine with serine at codon 417 of the BAP1 protein. Computational prediction suggests that this variant may not impact protein structure and function (internally defined REVEL score threshold <= 0.5, PMID: 27666373). Splice site prediction tools suggest that this variant may not impact RNA splicing. To our knowledge, functional studies have not been performed for this variant. This variant has not been reported in individuals affected with hereditary cancer in the literature. This variant has not been identified in the general population by the Genome Aggregation Database (gnomAD). The available evidence is insufficient to determine the role of this variant in disease conclusively. Therefore, this variant is classified as a Variant of Uncertain Significance.